The following is an entry in ClinVar:

ClinVar aggregate classification (germline): Conflicting classifications of pathogenicity. Review status: criteria provided, conflicting classifications (1 of 4 stars). 12 submissions from 12 submitters: Uncertain significance (9); Likely benign (2). 1 of the submissions does not count toward it. Last evaluated 2025-11-13.

Conditions:
Cardiovascular phenotype. Identifiers: MedGen CN230736.
Cardiomyopathy (CMYO). Also called: Cardiomyopathies. Identifiers: Orphanet 167848, MedGen C0878544, MONDO:0004994, HP:0001638. Inheritance: Various modes of inheritance.
Primary dilated cardiomyopathy (DCM). Also called: Dilated Cardiomyopathy. Identifiers: Orphanet 217604, MedGen C0007193, MeSH D002311, MONDO:0005021, HP:0001644. Inheritance: Various modes of inheritance.
Hypertrophic cardiomyopathy. Also called: HYPERTROPHIC MYOCARDIOPATHY. Identifiers: Orphanet 217569, MedGen C0007194, MeSH D002312, MONDO:0005045, HP:0001639.

Allele frequency attached by ClinVar (database versions not stated): ExAC 0.00006; ESP Exome Variant Server 0.00008; TOPMed 0.00010.
gnomAD v4.1: 52 of 1,614,092 alleles (0.0032%); highest among the groups gnomAD compares: Middle Eastern, 0.016%; no homozygotes.

Submissions (12):

Labcorp Genetics (formerly Invitae), Labcorp
Classification: Uncertain significance for Hypertrophic cardiomyopathy. Last evaluated: 2025-11-13. Review status: criteria provided, single submitter. Criteria: Invitae Variant Classification Sherloc (09022015). Collection method: clinical testing. Allele origin: germline.
Comment: This sequence change replaces arginine, which is basic and polar, with histidine, which is basic and polar, at codon 1662 of the MYH7 protein (p.Arg1662His). This variant is present in population databases (rs370328209, gnomAD 0.03%). This missense change has been observed in individual(s) with dilated cardiomyopathy or hypertrophic cardiomyopathy (PMID: 21750094, 23233322, 27532257, 31638223, 37466024). ClinVar contains an entry for this variant (Variation ID: 43049). Invitae Evidence Modeling of protein sequence and biophysical properties (such as structural, functional, and spatial information, amino acid conservation, physicochemical variation, residue mobility, and thermodynamic stability) indicates that this missense variant is not expected to disrupt MYH7 protein function with a negative predictive value of 95%. In summary, the available evidence is currently insufficient to determine the role of this variant in disease. Therefore, it has been classified as a Variant of Uncertain Significance.

CeGaT Center for Human Genetics Tuebingen
Classification: Uncertain significance. Last evaluated: 2025-08-01. Review status: criteria provided, single submitter. Criteria: CeGaT Center For Human Genetics Tuebingen Variant Classification Criteria Version 2. Collection method: clinical testing. Allele origin: germline. Affected: yes. Observed: 1 variant allele.
Comment: MYH7: PM5

All of Us Research Program, National Institutes of Health
Classification: Uncertain significance for Cardiomyopathy. Last evaluated: 2023-08-08. Review status: criteria provided, single submitter. Criteria: ACMG Guidelines, 2015. Collection method: clinical testing. Allele origin: germline. Inheritance: Autosomal dominant inheritance. Observed: 2 variant alleles, 2 heterozygotes.
Comment: This missense variant replaces arginine with histidine at codon 1662 of the MYH7 protein. Computational prediction is inconclusive regarding the impact of this variant on protein structure and function (internally defined REVEL score threshold 0.5 < inconclusive < 0.7, PMID: 27666373). To our knowledge, functional studies have not been reported for this variant. This variant has been reported in four individuals affected with hypertrophic cardiomyopathy (PMID: 23233322, 27532257, 31638223, 34137518, 33495597). However, one of these individuals also harbored a splice site variant in the MYBPC3 gene that was associated with disease in the family (PMID: 23233322), and another individual is a carrier of a pathogenic co-variant MYH7 c.2081G>A (p.Arg694His) (ClinVar Variation ID: 264068). This variant has also been reported in one individual affected with dilated cardiomyopathy (PMID: 21750094). This variant has been identified in 16/282816 chromosomes in the general population by the Genome Aggregation Database (gnomAD). The available evidence is insufficient to determine the role of this variant in disease conclusively. Therefore, this variant is classified as a Variant of Uncertain Significance.

This study involves interpretation of variants in research participants for the purpose of population health screening. Participant phenotype was not available at the time of variant classification. Additional details can be found in publication PMID: 35346344, PMCID: PMC8962531

Color Diagnostics, LLC DBA Color Health
Classification: Uncertain significance for Cardiomyopathy. Last evaluated: 2023-02-23. Review status: criteria provided, single submitter. Criteria: ACMG Guidelines, 2015. Collection method: clinical testing. Allele origin: germline.
Comment: This missense variant replaces arginine with histidine at codon 1662 of the MYH7 protein. Computational prediction is inconclusive regarding the impact of this variant on protein structure and function (internally defined REVEL score threshold 0.5 < inconclusive < 0.7, PMID: 27666373). To our knowledge, functional studies have not been reported for this variant. This variant has been reported in four individuals affected with hypertrophic cardiomyopathy (PMID: 23233322, 27532257, 31638223, 34137518, 33495597). However, one of these individuals also harbored a splice site variant in the MYBPC3 gene that was associated with disease in the family (PMID: 23233322), and another individual is a carrier of a pathogenic co-variant MYH7 c.2081G>A (p.Arg694His) (ClinVar Variation ID: 264068). This variant has also been reported in one individual affected with dilated cardiomyopathy (PMID: 21750094). This variant has been identified in 16/282816 chromosomes in the general population by the Genome Aggregation Database (gnomAD). The available evidence is insufficient to determine the role of this variant in disease conclusively. Therefore, this variant is classified as a Variant of Uncertain Significance.

Blueprint Genetics
Classification: Likely benign. Last evaluated: 2022-08-31. Review status: criteria provided, single submitter. Criteria: ACMG Guidelines, 2015. Collection method: clinical testing. Allele origin: germline.

Ambry Genetics
Classification: Uncertain significance for Cardiovascular phenotype. Last evaluated: 2022-04-21. Review status: criteria provided, single submitter. Criteria: Ambry Variant Classification Scheme 2023. Collection method: clinical testing. Allele origin: germline.

Revvity Omics, Revvity
Classification: Uncertain significance. Last evaluated: 2020-10-08. Review status: criteria provided, single submitter. Criteria: ACMG Guidelines, 2015. Collection method: clinical testing. Allele origin: germline.

CHEO Genetics Diagnostic Laboratory, Children's Hospital of Eastern Ontario
Classification: Uncertain significance for Cardiomyopathy. Last evaluated: 2020-05-04. Review status: criteria provided, single submitter. Criteria: ACMG Guidelines, 2015. Collection method: clinical testing. Allele origin: germline.

Laboratory for Molecular Medicine, Mass General Brigham Personalized Medicine
Classification: Uncertain significance. Last evaluated: 2019-08-12. Review status: criteria provided, single submitter. Criteria: LMM Criteria. Collection method: clinical testing. Allele origin: germline. Observed: 1 variant allele.
Comment: The p.Arg1662His variant in MYH7 has been reported in 4 individuals with cardiomyopathy (2 with DCM and 2 with HCM) and did not segeregate with disease in an affected relative in one of the families with HCM (Waldmuller 2011, Kassem 2013, Walsh 2017, LMM data). It has been identified in 0.03% (3/10368) of Ashkenazi Jewish chromosomes and 8/129130 European chromosomes gnomAD. Computational prediction tools and conservation analyses suggest that this variant may impact the protein, though this information is not predictive enough to determine pathogenicity. In summary, the clinical significance of this variant is uncertain. ACMG/AMP Criteria applied: PP3.

GeneDx
Classification: Likely benign. Last evaluated: 2018-11-20. Review status: criteria provided, single submitter. Criteria: GeneDx Variant Classification Process June 2021. Collection method: clinical testing. Allele origin: germline. Affected: yes.
Comment: This variant is associated with the following publications: (PMID: 25637381, 23299917, 23233322, 22958901, 21750094, 27532257, 31638223)

Genetics and Genomics Program, Sidra Medicine
Classification: Uncertain significance for Hypertrophic cardiomyopathy. Review status: criteria provided, single submitter. Criteria: ACMG Guidelines, 2015. Collection method: research. Allele origin: unknown. Affected: yes. Observed: 1 variant allele.

CSER _CC_NCGL, University of Washington
Classification: Uncertain significance for Cardiomyopathy, dilated. Last evaluated: 2014-06-01. Review status: no assertion criteria provided. Collection method: research. Allele origin: germline. Inheritance: Autosomal dominant inheritance. Study: ESP 6500 variant annotation. Not counted in ClinVar's aggregate classification.
Comment: Variants classified for the Actionable exomic incidental findings in 6503 participants: challenges of variant classification manuscript

Literature cited by the submitters: PubMed 21750094 (cited by 4 submitters); PubMed 23233322 (cited by 4 submitters); PubMed 27532257 (cited by 3 submitters); PubMed 31638223 (cited by 3 submitters); PubMed 37466024 (cited by Labcorp Genetics (formerly Invitae), Labcorp); PubMed 33495597 (cited by All of Us Research Program, National Institutes of Health and Color Diagnostics, LLC DBA Color Health); PubMed 34137518 (cited by All of Us Research Program, National Institutes of Health and Color Diagnostics, LLC DBA Color Health); PubMed 24664454 (cited by Laboratory for Molecular Medicine, Mass General Brigham Personalized Medicine).

NM_000257.4(MYH7):c.4985G>A (p.Arg1662His)

Genes: MYH7 (myosin heavy chain 7; minus strand), MHRT (myosin heavy chain associated RNA transcript; plus strand), LOC126861897 (BRD4-independent group 4 enhancer GRCh37_chr14:23884455-23885654; plus strand). Cytogenetic location: 14q11.2.
Variant type: single nucleotide variant.
Coding change: c.4985G>A on transcript NM_000257.4 (MANE Select); coding-DNA position 4985, G replaced by A.
Protein change: p.Arg1662His; replaces arginine 1662 with histidine.
Molecular consequence: missense variant. On other transcripts: non-coding transcript variant (1).
Genome position (GRCh38, 1-based): chr14:23,415,801, C>T on the plus strand (G>A on the coding strand, the complement: MYH7 is on the minus strand). VCF-style: chr14-23415801-C-T. GRCh37 (hg19) VCF-style: chr14-23885010-C-T.
Other names: p.R1662H:CGT>CAT; short protein forms R1662H.
Identifiers: ClinVar variation 43049 (VCV000043049.35), dbSNP rs370328209, ClinGen allele CA015524.